The following is an entry in ClinVar:

NM_018896.5(CACNA1G):c.5961G>C (p.Thr1987=)

Gene: CACNA1G (calcium voltage-gated channel subunit alpha1 G; plus strand). Cytogenetic location: 17q21.33.
Variant type: single nucleotide variant.
Coding change: c.5961G>C on transcript NM_018896.5 (MANE Select); coding-DNA position 5961, G replaced by C.
Protein change: p.Thr1987=; no amino-acid change (threonine 1987 retained).
Molecular consequence: synonymous variant. On other transcripts: intron variant (24).
Genome position (GRCh38, 1-based): chr17:50,621,695, G>C. VCF-style: chr17-50621695-G-C. GRCh37 (hg19) VCF-style: chr17-48699056-G-C.
Other names: c.5928G>C, p.Thr1976= (NM_198377.3); c.5748G>C, p.Thr1916= (NM_198383.3); c.5859G>C, p.Thr1953= (NM_198396.3); c.5803-2212G>C (NM_001256325.2); c.5892+1869G>C (NM_198380.3); c.5749-2212G>C (NM_198378.3, NM_001256334.2); c.5925+1869G>C (NM_198385.3); c.5782-2212G>C (NM_198384.3, NM_001256333.2); and 16 more.
Identifiers: ClinVar variation 1694853 (VCV001694853.33), dbSNP rs199940739, ClinGen allele CA8653538.

ClinVar aggregate classification (germline): Likely benign. Review status: criteria provided, multiple submitters, no conflicts (2 of 4 stars). 3 submissions from 3 submitters: Likely benign (3). Last evaluated 2025-03-07.

Conditions:
CACNA1G-related disorder. Also called: CACNA1G-related condition; CACNA1G-related disorders.

Allele frequency attached by ClinVar (database versions not stated): gnomAD exomes 0.00015; ExAC 0.00017.
gnomAD v4.1: 162 of 1,613,856 alleles (0.01%); highest among the groups gnomAD compares: Middle Eastern, 0.3%; 2 homozygotes.

Submissions (3):

PreventionGenetics, part of Exact Sciences
Classification: Likely benign for CACNA1G-related condition. Last evaluated: 2025-03-07. Review status: criteria provided, single submitter. Criteria: ACMG Guidelines, 2015. Collection method: clinical testing. Allele origin: germline.
Comment: This variant is classified as likely benign based on ACMG/AMP sequence variant interpretation guidelines (Richards et al. 2015 PMID: 25741868, with internal and published modifications).

CeGaT Center for Human Genetics Tuebingen
Classification: Likely benign. Last evaluated: 2024-09-01. Review status: criteria provided, single submitter. Criteria: CeGaT Center For Human Genetics Tuebingen Variant Classification Criteria Version 2. Collection method: clinical testing. Allele origin: germline. Affected: yes. Observed: 3 variant alleles.
Comment: CACNA1G: BP4, BP7

Blueprint Genetics
Classification: Likely benign. Last evaluated: 2023-10-06. Review status: criteria provided, single submitter. Criteria: ACMG Guidelines, 2015. Collection method: clinical testing. Allele origin: germline.